The following is an entry in ClinVar:

ClinVar aggregate classification (germline): Uncertain significance (1 of 4 stars; one submission).

Allele frequency attached by ClinVar (database versions not stated): gnomAD 0.00001; gnomAD exomes 0.00001; ExAC 0.00002.
gnomAD v4.1: 10 of 1,614,048 alleles (0.00062%); highest among the groups gnomAD compares: South Asian, 0.0022%; no homozygotes.

Submission:

Women's Health and Genetics/Laboratory Corporation of America, LabCorp
Classification: Uncertain significance. Last evaluated: 2024-03-06. Review status: criteria provided, single submitter. Criteria: LabCorp Variant Classification Summary - May 2015. Collection method: clinical testing. Allele origin: germline.
Comment: Variant summary: SETX c.3824G>A (p.Arg1275His) results in a non-conservative amino acid change in the encoded protein sequence. Five of five in-silico tools predict a damaging effect of the variant on protein function. The variant allele was found at a frequency of 8e-06 in 251452 control chromosomes (gnomAD). The available data on variant occurrences in the general population are insufficient to allow any conclusion about variant significance. To our knowledge, no occurrence of c.3824G>A in individuals affected with Amyotrophic Lateral Sclerosis Type 4 and no experimental evidence demonstrating its impact on protein function have been reported. No submitters have cited clinical-significance assessments for this variant to ClinVar. Based on the evidence outlined above, the variant was classified as uncertain significance.

NM_015046.7(SETX):c.3824G>A (p.Arg1275His)

Gene: SETX (senataxin; minus strand). Cytogenetic location: 9q34.13.
Variant type: single nucleotide variant.
Coding change: c.3824G>A on transcript NM_015046.7 (MANE Select); coding-DNA position 3824, G replaced by A.
Protein change: p.Arg1275His; replaces arginine 1275 with histidine.
Molecular consequence: missense variant.
Genome position (GRCh38, 1-based): chr9:132,327,774, C>T on the plus strand (G>A on the coding strand, the complement: SETX is on the minus strand). VCF-style: chr9-132327774-C-T. GRCh37 (hg19) VCF-style: chr9-135203161-C-T.
Other names: c.3824G>A, p.Arg1275His (NM_001351527.2, NM_001351528.2); short protein forms R1275H.
Identifiers: ClinVar variation 3233642 (VCV003233642.2), dbSNP rs772710683, ClinGen allele CA5297320.